The following is an entry in ClinVar:

ClinVar aggregate classification (germline): Uncertain significance (1 of 4 stars; one submission).

Conditions:
ALMS1-related disorder. Also called: ALMS1-related condition.

Submission:

PreventionGenetics, part of Exact Sciences
Classification: Uncertain significance for ALMS1-related condition. Last evaluated: 2025-09-12. Review status: criteria provided, single submitter. Criteria: ACMG Guidelines, 2015. Collection method: clinical testing. Allele origin: germline.
Comment: The ALMS1 c.4141T>C variant is predicted to result in the amino acid substitution p.Ser1381Pro. To our knowledge, this variant has not been reported in the literature. This variant is reported in 0.0016% of alleles in individuals of European (Non-Finnish) descent in gnomAD. At this time, the clinical significance of this variant is uncertain due to the absence of conclusive functional and genetic evidence.

NM_001378454.1(ALMS1):c.4138T>C (p.Ser1380Pro)

Gene: ALMS1 (ALMS1 centrosome and basal body associated protein; plus strand). Cytogenetic location: 2p13.1.
Variant type: single nucleotide variant.
Coding change: c.4138T>C on transcript NM_001378454.1 (MANE Select); coding-DNA position 4138, T replaced by C.
Protein change: p.Ser1380Pro; replaces serine 1380 with proline.
Molecular consequence: missense variant.
Genome position (GRCh38, 1-based): chr2:73,450,665, T>C. VCF-style: chr2-73450665-T-C. GRCh37 (hg19) VCF-style: chr2-73677792-T-C.
Other names: c.4141T>C, p.Ser1381Pro (NM_015120.4); short protein forms S1380P, S1381P.
Identifiers: ClinVar variation 4989670 (VCV004989670.1).
Genomic context (GRCh38, chr2:73,450,665, plus strand): 5'-ATTTCAGTTGCCTCTGAACCAGTTGACCAGACAACTGGCACACCAACTGTAACCTCTACT[T>C]CTTACTCACAACATACAGAGAAGCCGAGTATTTTCTACCAACAGTCGTTGCCAGGTAGTC-3'
Protein context (NP_001365383.1, residues 1370-1390): TTGTPTVTST[Ser1380Pro]YSQHTEKPSI